The following is an entry in ClinVar:

ClinVar aggregate classification (germline): Uncertain significance (1 of 4 stars; one submission).

Conditions:
Neuroblastoma, susceptibility to, 3. Also called: ALK-Related Neuroblastic Tumor Susceptibility. Identifiers: Orphanet 635, MedGen C2751681, MONDO:0013083, OMIM 613014.

Submission:

Labcorp Genetics (formerly Invitae), Labcorp
Classification: Uncertain significance for Neuroblastoma, susceptibility to, 3. Last evaluated: 2022-10-28. Review status: criteria provided, single submitter. Criteria: Invitae Variant Classification Sherloc (09022015). Collection method: clinical testing. Allele origin: germline.
Comment: In summary, the available evidence is currently insufficient to determine the role of this variant in disease. Therefore, it has been classified as a Variant of Uncertain Significance. Algorithms developed to predict the effect of missense changes on protein structure and function output the following: SIFT: "Tolerated"; PolyPhen-2: "Benign"; Align-GVGD: "Class C0". The glycine amino acid residue is found in multiple mammalian species, which suggests that this missense change does not adversely affect protein function. This variant has not been reported in the literature in individuals affected with ALK-related conditions. This variant is not present in population databases (gnomAD no frequency). This sequence change replaces alanine, which is neutral and non-polar, with glycine, which is neutral and non-polar, at codon 1453 of the ALK protein (p.Ala1453Gly).

NM_004304.5(ALK):c.4358C>G (p.Ala1453Gly)

Gene: ALK (ALK receptor tyrosine kinase; minus strand). Cytogenetic location: 2p23.2.
Variant type: single nucleotide variant.
Coding change: c.4358C>G on transcript NM_004304.5 (MANE Select); coding-DNA position 4358, C replaced by G.
Protein change: p.Ala1453Gly; replaces alanine 1453 with glycine.
Molecular consequence: missense variant.
Genome position (GRCh38, 1-based): chr2:29,193,729, G>C on the plus strand (C>G on the coding strand, the complement: ALK is on the minus strand). VCF-style: chr2-29193729-G-C. GRCh37 (hg19) VCF-style: chr2-29416595-G-C.
Other names: c.1154C>G, p.Ala385Gly (NM_001353765.2); short protein forms A385G, A1453G.
Identifiers: ClinVar variation 2134731 (VCV002134731.4), dbSNP rs2148138593, ClinGen allele CA346462436.
Genomic context (GRCh38, chr2:29,193,729, plus strand): 5'-CCTTCCACGGCCGGCCCTCTAGGGACTCGAACAGAGATCTCTGCAGCTGTGGGTTTCTTT[G>C]CAGCCTTGCCAGAGGAGGTGGTAGGCAGAGGTGGTGGGGCAGCTGGGCTGCGCTCCTCCT-3'
Protein context (NP_004295.2, residues 1443-1463): PLPTTSSGKA[Ala1453Gly]KKPTAAEISV